The following is an entry in ClinVar:

ClinVar aggregate classification (germline): Uncertain significance (1 of 4 stars; one submission).

Submission:

Women's Health and Genetics/Laboratory Corporation of America, LabCorp
Classification: Uncertain significance. Last evaluated: 2026-05-21. Review status: criteria provided, single submitter. Criteria: LabCorp Variant Classification Summary - May 2015. Collection method: clinical testing. Allele origin: germline.
Comment: Variant summary: The variant involves the deletion of exon 27 in the ARHGEF10 gene. A presumed nomenclature of c.(3222+1_3223-1)_(3397+1_3398-1)del has been designated for the purposes of this classification. It is assumed to be a tandem duplication in direct orientation (PMIDs: 25640679, 30054569). This Copy Number Variant (CNV) is expected to alter the reading frame and predicted to result in a truncation or absence of the encoded protein due to nonsense mediated decay (NMD). However, current evidence is not sufficient to establish loss of function as a mechanism for disease. The variant was absent in 21694 control chromosomes. The available data on variant occurrences in the general population are insufficient to allow any conclusion about variant significance. To our knowledge, no occurrence of c.(3222+1_3223-1)_(3397+1_3398-1)del in individuals affected with ARHGEF10-related conditions and no experimental evidence demonstrating its impact on protein function have been reported. ClinVar contains an entry for this variant (Variation ID: 1473868). Based on the evidence outlined above, the variant was classified as uncertain significance.

NC_000008.10:g.(1882109_1893646)_(1893822_1900870)del

Gene: ARHGEF10 (Rho guanine nucleotide exchange factor 10; plus strand). Cytogenetic location: 8p23.3.
Variant type: Deletion.
Identifiers: ClinVar variation 4853737 (VCV004853737.1).